The following is an entry in ClinVar:

ClinVar aggregate classification (germline): Uncertain significance (1 of 4 stars; one submission).

Conditions:
Bethlem myopathy 1A. Also called: MYOPATHY, BENIGN CONGENITAL, WITH CONTRACTURES; Bethlem Muscular Dystrophy; Bethlem myopathy 1. Identifiers: Orphanet 610, MedGen CN029274, MONDO:0024530, OMIM 158810.

Submission:

Labcorp Genetics (formerly Invitae), Labcorp
Classification: Uncertain significance for Bethlem myopathy 1A. Last evaluated: 2017-11-14. Review status: criteria provided, single submitter. Criteria: Invitae Variant Classification Sherloc (09022015). Collection method: clinical testing. Allele origin: germline.
Comment: This sequence change replaces proline with leucine at codon 2319 of the COL6A3 protein (p.Pro2319Leu). The proline residue is highly conserved and there is a moderate physicochemical difference between proline and leucine. This variant is not present in population databases (ExAC no frequency). This variant has not been reported in the literature in individuals with COL6A3-related disease. Algorithms developed to predict the effect of missense changes on protein structure and function do not agree on the potential impact of this missense change (SIFT: "Deleterious"; PolyPhen-2: "Benign"; Align-GVGD: "Class C65"). In summary, the available evidence is currently insufficient to determine the role of this variant in disease. Therefore, it has been classified as a Variant of Uncertain Significance.

NM_004369.4(COL6A3):c.6956C>T (p.Pro2319Leu)

Gene: COL6A3 (collagen type VI alpha 3 chain; minus strand). Cytogenetic location: 2q37.3.
Variant type: single nucleotide variant.
Coding change: c.6956C>T on transcript NM_004369.4 (MANE Select); coding-DNA position 6956, C replaced by T.
Protein change: p.Pro2319Leu; replaces proline 2319 with leucine.
Molecular consequence: missense variant.
Genome position (GRCh38, 1-based): chr2:237,348,359, G>A on the plus strand (C>T on the coding strand, the complement: COL6A3 is on the minus strand). VCF-style: chr2-237348359-G-A. GRCh37 (hg19) VCF-style: chr2-238257002-G-A.
Other names: c.5135C>T, p.Pro1712Leu (NM_057166.5); c.6338C>T, p.Pro2113Leu (NM_057167.4); short protein forms P2319L, P2113L, P1712L.
Identifiers: ClinVar variation 542982 (VCV000542982.1), dbSNP rs751617505, ClinGen allele CA351208117.
Genomic context (GRCh38, chr2:237,348,359, plus strand): 5'-AGAGCCATCCCAAAATCATGATGATGCTTCACCGACCAGGGATTATTTACCTTTGGTCCT[G>A]GGTATCCAGGGAATCCTCTTTCTCCCTATAAAGGAAAAATAGATTATTTAATACTTGGTT-3'
Protein context (NP_004360.2, residues 2309-2329): KKGERGFPGY[Pro2319Leu]GPKGNPGEPG